The following is an entry in ClinVar:

NC_000009.11:g.(?_130605363)_(130616761_?)del

Gene: ENG (endoglin; minus strand). Cytogenetic location: 9q34.11.
Variant type: Deletion.
Identifiers: ClinVar variation 3245079 (VCV003245079.1).

ClinVar aggregate classification (germline): Pathogenic (1 of 4 stars; one submission).

Conditions:
Hereditary hemorrhagic telangiectasia (HHT). Also called: ORW DISEASE; Osler Weber Rendu syndrome; OSLER-RENDU-WEBER DISEASE; Osler hemorrhagic telangiectasia syndrome. Identifiers: Orphanet 774, MedGen C0039445, MONDO:0019180. Disease mechanism: loss of function.

Submission:

Labcorp Genetics (formerly Invitae), Labcorp
Classification: Pathogenic for Hereditary hemorrhagic telangiectasia. Last evaluated: 2023-09-17. Review status: criteria provided, single submitter. Criteria: Invitae Variant Classification Sherloc (09022015). Collection method: clinical testing. Allele origin: unknown.
Comment: This variant is a gross deletion of the genomic region encompassing exon(s) 1-2 of the ENG gene, which includes the initiator codon. This deletion extends beyond the assayed region for this gene and therefore may encompass additional genes. It is expected to result in an absent or disrupted protein product. Loss-of-function variants in ENG are known to be pathogenic (PMID: 15879500). A similar copy number variant has been observed in individual(s) with hereditary hemorrhagic telangiectasia (PMID: 20414677). For these reasons, this variant has been classified as Pathogenic.

Literature cited by the submitters: PubMed 15879500; PubMed 20414677.